The following is an entry in ClinVar:

NM_001013841.2(STAP2):c.443T>A (p.Leu148Gln)

Gene: STAP2 (signal transducing adaptor family member 2; minus strand). Cytogenetic location: 19p13.3.
Variant type: single nucleotide variant.
Coding change: c.443T>A on transcript NM_001013841.2 (MANE Select); coding-DNA position 443, T replaced by A.
Protein change: p.Leu148Gln; replaces leucine 148 with glutamine.
Molecular consequence: missense variant.
Genome position (GRCh38, 1-based): chr19:4,329,973, A>T on the plus strand (T>A on the coding strand, the complement: STAP2 is on the minus strand). VCF-style: chr19-4329973-A-T. GRCh37 (hg19) VCF-style: chr19-4329970-A-T.
Other names: c.443T>A, p.Leu148Gln (NM_017720.3); short protein forms L148Q.
Identifiers: ClinVar variation 3765781 (VCV003765781.1).

ClinVar aggregate classification (germline): Uncertain significance (1 of 4 stars; one submission).

Submission:

Greenwood Genetic Center Diagnostic Laboratories, Greenwood Genetic Center
Classification: Uncertain significance. Last evaluated: 2024-11-21. Review status: criteria provided, single submitter. Criteria: ACMG Guidelines, 2015. Collection method: clinical testing. Allele origin: germline. Affected: yes.
Comment: Gene of Uncertain Significance